The following is an entry in ClinVar:

NM_001853.4(COL9A3):c.1288-5T>C

Gene: COL9A3 (collagen type IX alpha 3 chain; plus strand). Cytogenetic location: 20q13.33.
Variant type: single nucleotide variant.
Coding change: c.1288-5T>C on transcript NM_001853.4 (MANE Select); 5 bases into the intron before coding-DNA position 1288, T replaced by C.
Molecular consequence: intron variant.
Genome position (GRCh38, 1-based): chr20:62,832,149, T>C. VCF-style: chr20-62832149-T-C. GRCh37 (hg19) VCF-style: chr20-61463501-T-C.
Other names: p.?; c.1288-5T>C (LRG_1253t1).
Identifiers: ClinVar variation 195872 (VCV000195872.27), dbSNP rs741758, ClinGen allele CA201985.

ClinVar aggregate classification (germline): Benign. Review status: criteria provided, multiple submitters, no conflicts (2 of 4 stars). 13 submissions from 13 submitters: Benign (9). 4 of the submissions do not count toward it. Last evaluated 2026-05-08.

Conditions:
Epiphyseal dysplasia, multiple, 3 (EDM3). Also called: COL9A3-Related Multiple Epiphyseal Dysplasia; Epiphyseal dysplasia, multiple, 3, with or without myopathy. Identifiers: MedGen C1832998, MONDO:0010964, OMIM 600969.

Allele frequency attached by ClinVar (database versions not stated): 1000 Genomes Project 0.31050; 1000 Genomes Project 30x 0.31652; gnomAD exomes 0.32416 and 0.35392; ExAC 0.32930; TOPMed 0.36992; gnomAD 0.37353 and 0.38028; ESP Exome Variant Server 0.39119.
gnomAD v4.1: 569,759 of 1,603,270 alleles (36%); highest among the groups gnomAD compares: African/African-American, 48%; 105,074 homozygotes.

Submissions (13):

Women's Health and Genetics/Laboratory Corporation of America, LabCorp
Classification: Benign. Last evaluated: 2026-05-08. Review status: criteria provided, single submitter. Criteria: LabCorp Variant Classification Summary - May 2015. Collection method: clinical testing. Allele origin: germline.

Labcorp Genetics (formerly Invitae), Labcorp
Classification: Benign. Last evaluated: 2026-02-04. Review status: criteria provided, single submitter. Criteria: Invitae Variant Classification Sherloc (09022015). Collection method: clinical testing. Allele origin: germline.

Blueprint Genetics
Classification: Benign. Last evaluated: 2024-11-28. Review status: criteria provided, single submitter. Criteria: ACMG Guidelines, 2015. Collection method: clinical testing. Allele origin: germline.

Genome-Nilou Lab
Classification: Benign for Epiphyseal dysplasia, multiple, 3. Last evaluated: 2021-07-30. Review status: criteria provided, single submitter. Criteria: ACMG Guidelines, 2015. Collection method: clinical testing. Allele origin: germline. Affected: no.

Mayo Clinic Laboratories, Mayo Clinic
Classification: Benign. Last evaluated: 2020-10-02. Review status: criteria provided, single submitter. Criteria: ACMG Guidelines, 2015. Collection method: clinical testing. Allele origin: germline. Observed: 110 variant alleles.

GeneDx
Classification: Benign. Last evaluated: 2017-05-19. Review status: criteria provided, single submitter. Criteria: GeneDx Variant Classification (06012015). Collection method: clinical testing. Allele origin: germline. Affected: yes.
Comment: This variant is considered likely benign or benign based on one or more of the following criteria: it is a conservative change, it occurs at a poorly conserved position in the protein, it is predicted to be benign by multiple in silico algorithms, and/or has population frequency not consistent with disease.

Eurofins Ntd Llc (ga)
Classification: Benign. Last evaluated: 2015-01-21. Review status: criteria provided, single submitter. Criteria: EGL Classification Definitions 2015. Collection method: clinical testing. Allele origin: germline. Observed: 1 variant allele, 1 heterozygote.

Breakthrough Genomics
Classification: Benign. Review status: criteria provided, single submitter. Criteria: ACMG Guidelines, 2015. Collection method: not provided. Allele origin: germline. Inheritance: Autosomal recessive inheritance. Affected: yes.

PreventionGenetics, part of Exact Sciences
Classification: Benign. Review status: criteria provided, single submitter. Criteria: ACMG Guidelines, 2015. Collection method: clinical testing. Allele origin: germline.

Clinical Genetics DNA and cytogenetics Diagnostics Lab, Erasmus MC, Erasmus Medical Center
Classification: Benign. Review status: no assertion criteria provided. Collection method: clinical testing. Allele origin: germline. Affected: yes. Study: VKGL Data-share Consensus. Not counted in ClinVar's aggregate classification.

Diagnostic Laboratory, Department of Genetics, University Medical Center Groningen
Classification: Benign. Review status: no assertion criteria provided. Collection method: clinical testing. Allele origin: germline. Affected: yes. Study: VKGL Data-share Consensus. Not counted in ClinVar's aggregate classification.

Genome Diagnostics Laboratory, Amsterdam University Medical Center
Classification: Benign. Review status: no assertion criteria provided. Collection method: clinical testing. Allele origin: germline. Affected: yes. Study: VKGL Data-share Consensus. Not counted in ClinVar's aggregate classification.

Joint Genome Diagnostic Labs from Nijmegen and Maastricht, Radboudumc and MUMC+
Classification: Benign. Review status: no assertion criteria provided. Collection method: clinical testing. Allele origin: germline. Affected: yes. Study: VKGL Data-share Consensus. Not counted in ClinVar's aggregate classification.